The following is an entry in ClinVar:

ClinVar aggregate classification (germline): Benign/Likely benign. Review status: criteria provided, multiple submitters, no conflicts (2 of 4 stars). 5 submissions from 5 submitters: Benign (3); Likely benign (1). 1 of the submissions does not count toward it. Last evaluated 2026-08-01.

Conditions:
CIC-related disorder. Also called: CIC-related condition.

Allele frequency attached by ClinVar (database versions not stated): gnomAD 0.00049 and 0.00075; ESP Exome Variant Server 0.00054; TOPMed 0.00059; gnomAD exomes 0.00121 and 0.00196; 1000 Genomes Project 0.00160; 1000 Genomes Project 30x 0.00187; ExAC 0.00208.
gnomAD v4.1: 1,918 of 1,613,814 alleles (0.12%); highest among the groups gnomAD compares: South Asian, 1%; 13 homozygotes.

Submissions (5):

CeGaT Center for Human Genetics Tuebingen
Classification: Benign. Last evaluated: 2026-08-01. Review status: criteria provided, single submitter. Criteria: CeGaT Center For Human Genetics Tuebingen Variant Classification Criteria Version 2. Collection method: clinical testing. Allele origin: germline. Affected: yes. Observed: 14 variant alleles.
Comment: CIC: BP4, BS1, BS2

Blueprint Genetics
Classification: Likely benign. Last evaluated: 2024-10-23. Review status: criteria provided, single submitter. Criteria: ACMG Guidelines, 2015. Collection method: clinical testing. Allele origin: germline.

Labcorp Genetics (formerly Invitae), Labcorp
Classification: Benign. Last evaluated: 2019-12-31. Review status: criteria provided, single submitter. Criteria: Invitae Variant Classification Sherloc (09022015). Collection method: clinical testing. Allele origin: germline.

Breakthrough Genomics
Classification: Benign. Review status: criteria provided, single submitter. Criteria: ACMG Guidelines, 2015. Collection method: not provided. Allele origin: germline. Inheritance: Autosomal dominant inheritance. Affected: yes.

PreventionGenetics, part of Exact Sciences
Classification: Likely benign for CIC-related condition. Last evaluated: 2019-04-10. Review status: no assertion criteria provided. Collection method: clinical testing. Allele origin: germline. Not counted in ClinVar's aggregate classification.
Comment: This variant is classified as likely benign based on ACMG/AMP sequence variant interpretation guidelines (Richards et al. 2015 PMID: 25741868, with internal and published modifications).

NM_001386298.1(CIC):c.6018T>C (p.Ser2006=)

Gene: CIC (capicua transcriptional repressor; plus strand). Cytogenetic location: 19q13.2.
Variant type: single nucleotide variant.
Coding change: c.6018T>C on transcript NM_001386298.1 (MANE Select); coding-DNA position 6018, T replaced by C.
Protein change: p.Ser2006=; no amino-acid change (serine 2006 retained).
Molecular consequence: synonymous variant.
Genome position (GRCh38, 1-based): chr19:42,292,681, T>C. VCF-style: chr19-42292681-T-C. GRCh37 (hg19) VCF-style: chr19-42796833-T-C.
Other names: c.6018T>C, p.Ser2006= (NM_001304815.2, NM_001379480.1, NM_001379482.1); c.3291T>C, p.Ser1097= (NM_001379484.1, NM_001379485.1, NM_015125.5).
Identifiers: ClinVar variation 735963 (VCV000735963.30), dbSNP rs142078348, ClinGen allele CA9472591.